The following is an entry in ClinVar:

ClinVar aggregate classification (germline): Conflicting classifications of pathogenicity. Review status: criteria provided, conflicting classifications (1 of 4 stars). 2 submissions from 2 submitters: Uncertain significance (1); Likely benign (1). Last evaluated 2025-10-19.

Conditions:
Cardiovascular phenotype. Identifiers: MedGen CN230736.
Naxos disease (NXD). Also called: WOOLLY HAIR, PALMOPLANTAR KERATODERMA, AND CARDIAC ABNORMALITIES; CARDIOMYOPATHY, ARRHYTHMOGENIC RIGHT VENTRICULAR, WITH SKIN, HAIR, AND NAIL ABNORMALITIES; KERATOSIS PALMOPLANTARIS WITH ARRHYTHMOGENIC CARDIOMYOPATHY; MAL DE NAXOS; PALMOPLANTAR KERATODERMA WITH ARRHYTHMOGENIC RIGHT VENTRICULAR CARDIOMYOPATHY AND WOOLLY HAIR. Identifiers: Orphanet 34217, MedGen C1832600, MONDO:0011017, OMIM 601214.
Arrhythmogenic right ventricular dysplasia 12. Also called: ARRHYTHMOGENIC RIGHT VENTRICULAR DYSPLASIA, FAMILIAL, 12. Identifiers: MedGen C1969081, MONDO:0012684, OMIM 611528.

Allele frequency attached by ClinVar (database versions not stated): TOPMed 0.00003; ESP Exome Variant Server 0.00008.
gnomAD v4.1: 3 of 1,614,218 alleles (0.00019%); highest among the groups gnomAD compares: African/African-American, 0.0027%; no homozygotes.

Submissions (2):

Labcorp Genetics (formerly Invitae), Labcorp
Classification: Uncertain significance for Arrhythmogenic right ventricular dysplasia 12; Naxos disease. Last evaluated: 2025-10-19. Review status: criteria provided, single submitter. Criteria: Invitae Variant Classification Sherloc (09022015). Collection method: clinical testing. Allele origin: germline.
Comment: This sequence change replaces valine, which is neutral and non-polar, with leucine, which is neutral and non-polar, at codon 666 of the JUP protein (p.Val666Leu). This variant is present in population databases (rs372369061, gnomAD 0.02%). This variant has not been reported in the literature in individuals affected with JUP-related conditions. ClinVar contains an entry for this variant (Variation ID: 648451). An algorithm developed to predict the effect of missense changes on protein structure and function (PolyPhen-2) suggests that this variant is likely to be tolerated. In summary, the available evidence is currently insufficient to determine the role of this variant in disease. Therefore, it has been classified as a Variant of Uncertain Significance.

Ambry Genetics
Classification: Likely benign for Cardiovascular phenotype. Last evaluated: 2022-08-20. Review status: criteria provided, single submitter. Criteria: Ambry Variant Classification Scheme 2023. Collection method: clinical testing. Allele origin: germline.

NM_002230.4(JUP):c.1996G>T (p.Val666Leu)

Gene: JUP (junction plakoglobin; minus strand). Cytogenetic location: 17q21.2.
Variant type: single nucleotide variant.
Coding change: c.1996G>T on transcript NM_002230.4 (MANE Select); coding-DNA position 1996, G replaced by T.
Protein change: p.Val666Leu; replaces valine 666 with leucine.
Molecular consequence: missense variant.
Genome position (GRCh38, 1-based): chr17:41,757,465, C>A on the plus strand (G>T on the coding strand, the complement: JUP is on the minus strand). VCF-style: chr17-41757465-C-A. GRCh37 (hg19) VCF-style: chr17-39913717-C-A.
Other names: c.1996G>T, p.Val666Leu (NM_001352773.2, NM_001352774.2, NM_001352775.2 and 3 more transcripts); short protein forms V666L.
Identifiers: ClinVar variation 648451 (VCV000648451.10), dbSNP rs372369061, ClinGen allele CA8565052.